The following is an entry in ClinVar:

NM_004667.6(HERC2):c.12951G>A (p.Ser4317=)

Gene: HERC2 (HECT and RLD domain containing E3 ubiquitin protein ligase 2; minus strand). Cytogenetic location: 15q13.1.
Variant type: single nucleotide variant.
Coding change: c.12951G>A on transcript NM_004667.6 (MANE Select); coding-DNA position 12951, G replaced by A.
Protein change: p.Ser4317=; no amino-acid change (serine 4317 retained).
Molecular consequence: synonymous variant.
Genome position (GRCh38, 1-based): chr15:28,125,045, C>T on the plus strand (G>A on the coding strand, the complement: HERC2 is on the minus strand). VCF-style: chr15-28125045-C-T. GRCh37 (hg19) VCF-style: chr15-28370191-C-T.
Identifiers: ClinVar variation 3045321 (VCV003045321.3), dbSNP rs149655254, ClinGen allele CA7440179.

ClinVar aggregate classification (germline): Likely benign. Review status: criteria provided, single submitter (1 of 4 stars). 2 submissions from 2 submitters: Likely benign (1). 1 of the submissions does not count toward it. Last evaluated 2023-04-03.

Conditions:
HERC2-related disorder. Also called: HERC2-related condition.

Allele frequency attached by ClinVar (database versions not stated): 1000 Genomes Project 30x 0.00047; 1000 Genomes Project 0.00060; gnomAD 0.00063; TOPMed 0.00078; ESP Exome Variant Server 0.00092; gnomAD exomes 0.00007; ExAC 0.00020.
gnomAD v4.1: 200 of 1,606,280 alleles (0.012%); highest among the groups gnomAD compares: African/African-American, 0.22%; no homozygotes.

Submissions (2):

Blueprint Genetics
Classification: Likely benign. Last evaluated: 2023-04-03. Review status: criteria provided, single submitter. Criteria: ACMG Guidelines, 2015. Collection method: clinical testing. Allele origin: germline.

PreventionGenetics, part of Exact Sciences
Classification: Likely benign for HERC2-related condition. Last evaluated: 2019-10-04. Review status: no assertion criteria provided. Collection method: clinical testing. Allele origin: germline. Not counted in ClinVar's aggregate classification.
Comment: This variant is classified as likely benign based on ACMG/AMP sequence variant interpretation guidelines (Richards et al. 2015 PMID: 25741868, with internal and published modifications).